The following is an entry in ClinVar:

ClinVar aggregate classification (germline): Uncertain significance. Review status: criteria provided, multiple submitters, no conflicts (2 of 4 stars). 3 submissions from 3 submitters: Uncertain significance (2). 1 of the submissions does not count toward it. Last evaluated 2022-09-27.

Conditions:
Polycystic kidney disease 3 with or without polycystic liver disease. Also called: Polycystic Kidney and/or Polycystic Liver Disease 3; Polycystic kidney disease 3; POLYCYSTIC KIDNEY DISEASE, ADULT, TYPE III. Identifiers: MedGen C3887964, MONDO:0010916, OMIM 600666.
Autosomal dominant polycystic liver disease. Also called: Congenital cystic disease of liver; Polycystic liver disease. Identifiers: Orphanet 2924, MedGen C0158683, MONDO:0000447, HP:0006557.

Allele frequency attached by ClinVar (database versions not stated): ExAC 0.00002; gnomAD 0.00002; TOPMed 0.00002.
gnomAD v4.1: 26 of 1,613,810 alleles (0.0016%); highest among the groups gnomAD compares: Admixed American, 0.0067%; no homozygotes.

Submissions (3):

Labcorp Genetics (formerly Invitae), Labcorp
Classification: Uncertain significance. Last evaluated: 2022-09-27. Review status: criteria provided, single submitter. Criteria: Invitae Variant Classification Sherloc (09022015). Collection method: clinical testing. Allele origin: germline.
Comment: This sequence change replaces proline, which is neutral and non-polar, with leucine, which is neutral and non-polar, at codon 108 of the GANAB protein (p.Pro108Leu). This variant is present in population databases (rs200232092, gnomAD 0.009%). This missense change has been observed in individual(s) with clinical features of polycystic kidney disease (PMID: 33097077). ClinVar contains an entry for this variant (Variation ID: 1255600). Advanced modeling of protein sequence and biophysical properties (such as structural, functional, and spatial information, amino acid conservation, physicochemical variation, residue mobility, and thermodynamic stability) has been performed at Invitae for this missense variant, however the output from this modeling did not meet the statistical confidence thresholds required to predict the impact of this variant on GANAB protein function. In summary, the available evidence is currently insufficient to determine the role of this variant in disease. Therefore, it has been classified as a Variant of Uncertain Significance.

Fulgent Genetics
Classification: Uncertain significance for Polycystic kidney disease 3 with or without polycystic liver disease. Last evaluated: 2021-12-29. Review status: criteria provided, single submitter. Criteria: ACMG Guidelines, 2015. Collection method: clinical testing. Allele origin: unknown.

Laboratory of Gastroenterology and Hepatology, Radboud University Medical Center
Classification: Uncertain significance for Autosomal dominant polycystic liver disease. Last evaluated: 2021-09-01. Review status: no assertion criteria provided. Collection method: research. Allele origin: germline. Affected: yes. Not counted in ClinVar's aggregate classification.

Literature cited by the submitters: PubMed 33097077 (cited by Labcorp Genetics (formerly Invitae), Labcorp).

NM_198334.3(GANAB):c.323C>T (p.Pro108Leu)

Gene: GANAB (glucosidase II alpha subunit; minus strand). Cytogenetic location: 11q12.3.
Variant type: single nucleotide variant.
Coding change: c.323C>T on transcript NM_198334.3 (MANE Select); coding-DNA position 323, C replaced by T.
Protein change: p.Pro108Leu; replaces proline 108 with leucine.
Molecular consequence: missense variant. On other transcripts: 5 prime UTR variant (2), intron variant (2).
Genome position (GRCh38, 1-based): chr11:62,639,040, G>A on the plus strand (C>T on the coding strand, the complement: GANAB is on the minus strand). VCF-style: chr11-62639040-G-A. GRCh37 (hg19) VCF-style: chr11-62406512-G-A.
Other names: c.32C>T, p.Pro11Leu (NM_001278194.2, NM_001329222.2, NM_001329223.2); c.-454C>T (NM_001329224.2, NM_001329225.2); c.323C>T, p.Pro108Leu (NM_198335.4); c.39-4040C>T (NM_001278193.2, NM_001278192.2); short protein forms P108L, P11L.
Identifiers: ClinVar variation 1255600 (VCV001255600.8), dbSNP rs200232092, ClinGen allele CA6051135.